The following is an entry in ClinVar:

ClinVar aggregate classification (germline): Uncertain significance (1 of 4 stars; one submission).

Submission:

Ambry Genetics
Classification: Uncertain significance. Last evaluated: 2025-06-19. Review status: criteria provided, single submitter. Criteria: Ambry Variant Classification Scheme 2023. Collection method: clinical testing. Allele origin: germline.
Comment: The p.D648N variant (also known as c.1942G>A), located in coding exon 1 of the TET2 gene, results from a G to A substitution at nucleotide position 1942. The aspartic acid at codon 648 is replaced by asparagine, an amino acid with highly similar properties. This amino acid position is conserved. In addition, this alteration is predicted to be tolerated by in silico analysis. Based on the available evidence, the clinical significance of this variant remains unclear.

NM_001127208.3(TET2):c.1942G>A (p.Asp648Asn)

Genes: TET2 (tet methylcytosine dioxygenase 2; plus strand), TET2-AS1 (TET2 antisense RNA 1; minus strand). Cytogenetic location: 4q24.
Variant type: single nucleotide variant.
Coding change: c.1942G>A on transcript NM_001127208.3 (MANE Select); coding-DNA position 1942, G replaced by A.
Protein change: p.Asp648Asn; replaces aspartic acid 648 with asparagine.
Molecular consequence: missense variant.
Genome position (GRCh38, 1-based): chr4:105,235,884, G>A. VCF-style: chr4-105235884-G-A. GRCh37 (hg19) VCF-style: chr4-106157041-G-A.
Other names: c.1942G>A, p.Asp648Asn (NM_017628.4); short protein forms D648N.
Identifiers: ClinVar variation 4182916 (VCV004182916.1).